The following is an entry in ClinVar:

NM_000051.4(ATM):c.4391T>C (p.Val1464Ala)

Gene: ATM (ATM serine/threonine kinase; plus strand). Cytogenetic location: 11q22.3.
Variant type: single nucleotide variant.
Coding change: c.4391T>C on transcript NM_000051.4 (MANE Select); coding-DNA position 4391, T replaced by C.
Protein change: p.Val1464Ala; replaces valine 1464 with alanine.
Molecular consequence: missense variant.
Genome position (GRCh38, 1-based): chr11:108,289,756, T>C. VCF-style: chr11-108289756-T-C. GRCh37 (hg19) VCF-style: chr11-108160483-T-C.
Other names: c.4391T>C, p.Val1464Ala (NM_001351834.2); short protein forms V1464A.
Identifiers: ClinVar variation 1375553 (VCV001375553.8), dbSNP rs2082682300, ClinGen allele CA382532177.

ClinVar aggregate classification (germline): Uncertain significance (1 of 4 stars; one submission).

Conditions:
Ataxia-telangiectasia syndrome (AT). Also called: Cerebello-oculocutaneous telangiectasia; Immunodeficiency with ataxia telangiectasia; AT, COMPLEMENTATION GROUP C; Ataxia-telangiectasia, complementation group E; LOUIS-BAR SYNDROME; ATAXIA-TELANGIECTASIA, COMPLEMENTATION GROUP A. Identifiers: Orphanet 100, MedGen C0004135, MONDO:0008840, OMIM 208900.

Submission:

Labcorp Genetics (formerly Invitae), Labcorp
Classification: Uncertain significance for Ataxia-telangiectasia syndrome. Last evaluated: 2021-02-24. Review status: criteria provided, single submitter. Criteria: Invitae Variant Classification Sherloc (09022015). Collection method: clinical testing. Allele origin: germline.
Comment: This sequence change replaces valine with alanine at codon 1464 of the ATM protein (p.Val1464Ala). The valine residue is highly conserved and there is a small physicochemical difference between valine and alanine. In summary, the available evidence is currently insufficient to determine the role of this variant in disease. Therefore, it has been classified as a Variant of Uncertain Significance. Advanced modeling of protein sequence and biophysical properties (such as structural, functional, and spatial information, amino acid conservation, physicochemical variation, residue mobility, and thermodynamic stability) performed at Invitae indicates that this missense variant is not expected to disrupt ATM protein function. This variant has not been reported in the literature in individuals with ATM-related conditions. This variant is not present in population databases (ExAC no frequency).